The following is an entry in ClinVar:

NM_182641.4(BPTF):c.145G>A (p.Gly49Ser)

Gene: BPTF (bromodomain PHD finger transcription factor; plus strand). Cytogenetic location: 17q24.2.
Variant type: single nucleotide variant.
Coding change: c.145G>A on transcript NM_182641.4 (MANE Select); coding-DNA position 145, G replaced by A.
Protein change: p.Gly49Ser; replaces glycine 49 with serine.
Molecular consequence: missense variant.
Genome position (GRCh38, 1-based): chr17:67,825,869, G>A. VCF-style: chr17-67825869-G-A. GRCh37 (hg19) VCF-style: chr17-65821985-G-A.
Other names: c.145G>A (NM_182641.3); c.145G>A, p.Gly49Ser (NM_004459.7); short protein forms G49S.
Identifiers: ClinVar variation 1977352 (VCV001977352.6), dbSNP rs1055623449, ClinGen allele CA293236434.

ClinVar aggregate classification (germline): Uncertain significance. Review status: criteria provided, multiple submitters, no conflicts (2 of 4 stars). 2 submissions from 2 submitters: Uncertain significance (2). Last evaluated 2025-01-13.

Conditions:
Inborn genetic diseases. Identifiers: MedGen C0950123, MeSH D030342.

Allele frequency attached by ClinVar (database versions not stated): TOPMed 0.00003.

Submissions (2):

Labcorp Genetics (formerly Invitae), Labcorp
Classification: Uncertain significance. Last evaluated: 2025-01-13. Review status: criteria provided, single submitter. Criteria: Invitae Variant Classification Sherloc (09022015). Collection method: clinical testing. Allele origin: germline.
Comment: This sequence change replaces glycine, which is neutral and non-polar, with serine, which is neutral and polar, at codon 49 of the BPTF protein (p.Gly49Ser). The frequency data for this variant in the population databases is considered unreliable, as metrics indicate insufficient coverage at this position in the gnomAD database. This variant has not been reported in the literature in individuals affected with BPTF-related conditions. ClinVar contains an entry for this variant (Variation ID: 1977352). Experimental studies and prediction algorithms are not available or were not evaluated, and the functional significance of this variant is currently unknown. In summary, the available evidence is currently insufficient to determine the role of this variant in disease. Therefore, it has been classified as a Variant of Uncertain Significance.

Ambry Genetics
Classification: Uncertain significance for Inborn genetic diseases. Last evaluated: 2024-01-16. Review status: criteria provided, single submitter. Criteria: Ambry Variant Classification Scheme 2023. Collection method: clinical testing. Allele origin: germline.